The following is an entry in ClinVar:

NM_000095.3(COMP):c.1405GAC[7] (p.Asp472_Asp473dup)

Gene: COMP (cartilage oligomeric matrix protein; minus strand). Cytogenetic location: 19p13.11.
Variant type: Microsatellite.
Coding change: c.1405GAC[7] on transcript NM_000095.3 (MANE Select); seven copies in a row of the 3-base unit GAC starting at c.1405; the reference has five copies in a row; two copies, 6 bases duplicated.
Protein change: p.Asp472_Asp473dup.
Molecular consequence: inframe insertion.
Genome position (GRCh38, 1-based): chr19:18,786,035-18,786,040, GTCGTC duplicated on the plus strand (GACGAC on the coding strand, the reverse complement: COMP is on the minus strand); duplicating any 6 consecutive bases within chr19:18,786,035-18,786,050 gives the same sequence; the position shown is the placement nearest the transcript's 3' end. VCF-style (leftmost placement, unchanged base first): chr19-18786034-T-TGTCGTC. GRCh37 (hg19) VCF-style: chr19-18896844-T-TGTCGTC.
Other names: c.1414_1419dup6 (NM_000095.2).
Identifiers: ClinVar variation 9192 (VCV000009192.2), ClinGen allele CA645373265.
Genomic context (GRCh38, chr19:18,786,034, plus strand): 5'-CCTCCTGGCCGGGGTTAGGCACCAGGCGGCAGTTGTCCCGACTGTCAGGGACTCCGTCAT[T>TGTCGTC]GTCGTCGTCGTCGTCGCAGGCATCACCCTGGCCATCGTGGTCTGAGTCCTCCTGGGCACT-3'

ClinVar aggregate classification (germline): Pathogenic/Likely pathogenic. Review status: no assertion criteria provided (0 of 4 stars). 2 submissions from 2 submitters: Pathogenic (1); Likely pathogenic (1). Last evaluated 2024-05-06.

Conditions:
COMP-related disorder. Also called: COMP-related condition; COMP-related disorders.
Pseudoachondroplastic spondyloepiphyseal dysplasia syndrome (PSACH). Also called: COMP-Related Pseudoachondroplasia; PSEUDOACHONDROPLASTIC DYSPLASIA; Pseudoachondroplasia. Identifiers: Orphanet 750, MedGen C0410538, MONDO:0008322, OMIM 177170.

Submissions (2):

PreventionGenetics, part of Exact Sciences
Classification: Likely pathogenic for COMP-related condition. Last evaluated: 2024-05-06. Review status: no assertion criteria provided. Collection method: clinical testing. Allele origin: germline.
Comment: The COMP c.1414_1419dup6 variant is predicted to result in an in-frame duplication (p.Asp472_Asp473dup). This variant was reported in an individual with pseudoachondroplasia (Delot et al. 1999. PubMed ID: 9887340). This variant has not been reported in a large population database, indicating this variant is rare. Additionally, similar inframe deletions and duplications (p.Asp473dup, p.Asn474_Asp475dup, p.Asp473del) in this region have been documented as pathogenic in individuals with COMP-related disease (Delot et al. 1999. PubMed ID: 9887340; Briggs et al. 2014. PubMed ID: 24595329; Kim et al. 2021. PubMed ID: 34122524). This variant is interpreted as likely pathogenic.

OMIM
Classification: Pathogenic for PSEUDOACHONDROPLASIA. Last evaluated: 1999-01-01. Review status: no assertion criteria provided. Collection method: literature only. Allele origin: germline.

Literature cited by the submitters: PubMed 9887340 (cited by OMIM).